The following is an entry in ClinVar:

ClinVar aggregate classification (germline): Conflicting classifications of pathogenicity. Review status: criteria provided, conflicting classifications (1 of 4 stars). 4 submissions from 4 submitters: Uncertain significance (1); Likely benign (2). 1 of the submissions does not count toward it. Last evaluated 2025-06-12.

Conditions:
ITGB4-related disorder. Also called: ITGB4-related condition.
Junctional epidermolysis bullosa with pyloric atresia. Also called: Junctional Epidermolysis Bullosa- Pyloric Atresia Syndrome; EPIDERMOLYSIS BULLOSA, JUNCTIONAL 5B, WITH PYLORIC ATRESIA; Epidermolysis bullosa, junctional, with pyloric atresia and aplasia cutis congenita; Epidermolysis bullosa junctionalis with pyloric atresia; APLASIA CUTIS CONGENITA WITH GASTROINTESTINAL ATRESIA; CARMI SYNDROME. Identifiers: Orphanet 79403, MedGen C5676875, MONDO:0009183, OMIM 226730.

Allele frequency attached by ClinVar (database versions not stated): gnomAD exomes 0.00008 and 0.00006; ExAC 0.00010; gnomAD 0.00031 and 0.00027; ESP Exome Variant Server 0.00008; TOPMed 0.00032.
gnomAD v4.1: 133 of 1,613,236 alleles (0.0082%); highest among the groups gnomAD compares: African/African-American, 0.088%; no homozygotes.

Submissions (4):

Labcorp Genetics (formerly Invitae), Labcorp
Classification: Likely benign. Last evaluated: 2025-06-12. Review status: criteria provided, single submitter. Criteria: Invitae Variant Classification Sherloc (09022015). Collection method: clinical testing. Allele origin: germline.

Blueprint Genetics
Classification: Likely benign. Last evaluated: 2024-09-13. Review status: criteria provided, single submitter. Criteria: ACMG Guidelines, 2015. Collection method: clinical testing. Allele origin: germline.

Illumina Laboratory Services, Illumina
Classification: Uncertain significance for Junctional epidermolysis bullosa with pyloric atresia. Last evaluated: 2017-04-28. Review status: criteria provided, single submitter. Criteria: ICSL Variant Classification Criteria 13 December 2019. Collection method: clinical testing. Allele origin: germline.

PreventionGenetics, part of Exact Sciences
Classification: Likely benign for ITGB4-related condition. Last evaluated: 2019-07-19. Review status: no assertion criteria provided. Collection method: clinical testing. Allele origin: germline. Not counted in ClinVar's aggregate classification.
Comment: This variant is classified as likely benign based on ACMG/AMP sequence variant interpretation guidelines (Richards et al. 2015 PMID: 25741868, with internal and published modifications).

NM_000213.5(ITGB4):c.4788C>T (p.Tyr1596=)

Genes: GALK1 (galactokinase 1; minus strand), ITGB4 (integrin subunit beta 4; plus strand). Cytogenetic location: 17q25.1.
Variant type: single nucleotide variant.
Coding change: c.4788C>T on transcript NM_000213.5 (MANE Select); coding-DNA position 4788, C replaced by T.
Protein change: p.Tyr1596=; no amino-acid change (tyrosine 1596 retained).
Molecular consequence: synonymous variant. On other transcripts: intron variant (1).
Genome position (GRCh38, 1-based): chr17:75,756,508, C>T. VCF-style: chr17-75756508-C-T. GRCh37 (hg19) VCF-style: chr17-73752589-C-T.
Other names: c.4737C>T, p.Tyr1579= (NM_001005619.2); c.4578C>T, p.Tyr1526= (NM_001005731.3, NM_001321123.2); c.4428C>T, p.Tyr1476= (NM_001438834.1); c.*22+1526G>A (NM_001381985.1).
Identifiers: ClinVar variation 891227 (VCV000891227.13), dbSNP rs369145421, ClinGen allele CA8770316.
Genomic context (GRCh38, chr17:75,756,508, plus strand): 5'-CATCCCCAACCCTGCCCAGACCTCGGTGGTGGTGGAAGACCTCCTGCCCAACCACTCCTA[C>T]GTGTTCCGCGTGCGGGCCCAGAGCCAGGAAGGCTGGGGCCGAGAGCGTGAGGGTGTCATC-3'
Protein context (NP_000204.3, residues 1586-1606): VVEDLLPNHS[Tyr1596=]VFRVRAQSQE